The following is an entry in ClinVar:

NM_001761.3(CCNF):c.1667G>T (p.Gly556Val)

Gene: CCNF (cyclin F; plus strand). Cytogenetic location: 16p13.3.
Variant type: single nucleotide variant.
Coding change: c.1667G>T on transcript NM_001761.3 (MANE Select); coding-DNA position 1667, G replaced by T.
Protein change: p.Gly556Val; replaces glycine 556 with valine.
Molecular consequence: missense variant.
Genome position (GRCh38, 1-based): chr16:2,453,489, G>T. VCF-style: chr16-2453489-G-T. GRCh37 (hg19) VCF-style: chr16-2503490-G-T.
Other names: p.Gly556Val; c.743G>T, p.Gly248Val (NM_001323538.2); short protein forms G248V, G556V.
Identifiers: ClinVar variation 3380362 (VCV003380362.1).

ClinVar aggregate classification (germline): Uncertain significance (1 of 4 stars; one submission).

gnomAD v4.1: 9 of 1,613,940 alleles (0.00056%); highest among the groups gnomAD compares: Non-Finnish European, 0.00068%; no homozygotes.

Submission:

Mayo Clinic Laboratories, Mayo Clinic
Classification: Uncertain significance. Last evaluated: 2024-05-31. Review status: criteria provided, single submitter. Criteria: ACMG Guidelines, 2015. Collection method: clinical testing. Allele origin: germline. Observed: 1 variant allele.
Comment: BP4